The following is an entry in ClinVar:

ClinVar aggregate classification (germline): Uncertain significance (1 of 4 stars; one submission).

Submission:

GeneDx
Classification: Uncertain significance. Last evaluated: 2024-11-15. Review status: criteria provided, single submitter. Criteria: GeneDx Variant Classification Process June 2021. Collection method: clinical testing. Allele origin: germline.
Comment: Not observed at significant frequency in large population cohorts (gnomAD); In silico analysis supports that this missense variant has a deleterious effect on protein structure/function; Has not been previously published as pathogenic or benign to our knowledge

NM_000834.5(GRIN2B):c.3598A>G (p.Asn1200Asp)

Gene: GRIN2B (glutamate ionotropic receptor NMDA type subunit 2B; minus strand). Cytogenetic location: 12p13.1.
Variant type: single nucleotide variant.
Coding change: c.3598A>G on transcript NM_000834.5 (MANE Select); coding-DNA position 3598, A replaced by G.
Protein change: p.Asn1200Asp; replaces asparagine 1200 with aspartic acid.
Molecular consequence: missense variant.
Genome position (GRCh38, 1-based): chr12:13,563,640, T>C on the plus strand (A>G on the coding strand, the complement: GRIN2B is on the minus strand). VCF-style: chr12-13563640-T-C. GRCh37 (hg19) VCF-style: chr12-13716574-T-C.
Other names: c.3598A>G, p.Asn1200Asp (NM_001413992.1); short protein forms N1200D.
Identifiers: ClinVar variation 3361985 (VCV003361985.2).